The following is an entry in ClinVar:

NM_001386298.1(CIC):c.6084C>T (p.Val2028=)

Gene: CIC (capicua transcriptional repressor; plus strand). Cytogenetic location: 19q13.2.
Variant type: single nucleotide variant.
Coding change: c.6084C>T on transcript NM_001386298.1 (MANE Select); coding-DNA position 6084, C replaced by T.
Protein change: p.Val2028=; no amino-acid change (valine 2028 retained).
Molecular consequence: synonymous variant.
Genome position (GRCh38, 1-based): chr19:42,292,747, C>T. VCF-style: chr19-42292747-C-T. GRCh37 (hg19) VCF-style: chr19-42796899-C-T.
Other names: c.6084C>T, p.Val2028= (NM_001304815.2, NM_001379480.1, NM_001379482.1 and 1 more transcripts); c.3357C>T, p.Val1119= (NM_001379484.1, NM_001379485.1, NM_015125.5).
Identifiers: ClinVar variation 2650007 (VCV002650007.24), dbSNP rs753979249, ClinGen allele CA9472608.
Genomic context (GRCh38, chr19:42,292,747, plus strand): 5'-CCCTGCACCCACCTCCTCAGCACCCCTGGCCCAGCCATCCCAGGCCCCCCCAAGCCTGGT[C>T]TACACTGTGGCCACCAGCACAACCCCACCTGCAGCCACCATTCTGCCCAAGGGCCCGCCA-3'
Protein context (NP_001373227.1, residues 2018-2038): AQPSQAPPSL[Val2028=]YTVATSTTPP

ClinVar aggregate classification (germline): Likely benign (1 of 4 stars; one submission).

Allele frequency attached by ClinVar (database versions not stated): ExAC 0.00004.
gnomAD v4.1: 74 of 1,613,706 alleles (0.0046%); highest among the groups gnomAD compares: Non-Finnish European, 0.0014%; no homozygotes.

Submission:

CeGaT Center for Human Genetics Tuebingen
Classification: Likely benign. Last evaluated: 2022-06-01. Review status: criteria provided, single submitter. Criteria: CeGaT Center For Human Genetics Tuebingen Variant Classification Criteria Version 2. Collection method: clinical testing. Allele origin: germline. Affected: yes. Observed: 1 variant allele.
Comment: CIC: BP4, BP7